The following is an entry in ClinVar:

ClinVar aggregate classification (germline): Uncertain significance (1 of 4 stars; one submission).

Conditions:
Hypoplastic left heart syndrome. Also called: Hypoplastic left ventricle; Hypoplastic left heart. Identifiers: Orphanet 2248, MedGen C0152101, MONDO:0004933, HP:0004383.

Allele frequency attached by ClinVar (database versions not stated): gnomAD exomes below 0.00001; TOPMed below 0.00001.

Submission:

Labcorp Genetics (formerly Invitae), Labcorp
Classification: Uncertain significance for Hypoplastic left heart syndrome. Last evaluated: 2020-12-26. Review status: criteria provided, single submitter. Criteria: Invitae Variant Classification Sherloc (09022015). Collection method: clinical testing. Allele origin: germline.
Comment: In summary, the available evidence is currently insufficient to determine the role of this variant in disease. Therefore, it has been classified as a Variant of Uncertain Significance. This variant has not been reported in the literature in individuals with HAND1-related conditions. This variant is not present in population databases (ExAC no frequency). This sequence change creates a premature translational stop signal (p.Lys134*) in the HAND1 gene. It is expected to result in an absent or disrupted protein product. However, the current clinical and genetic evidence is not sufficient to establish whether loss-of-function variants in HAND1 cause disease.

NM_004821.3(HAND1):c.400A>T (p.Lys134Ter)

Gene: HAND1 (heart and neural crest derivatives expressed 1; minus strand). Cytogenetic location: 5q33.2.
Variant type: single nucleotide variant.
Coding change: c.400A>T on transcript NM_004821.3 (MANE Select); coding-DNA position 400, A replaced by T.
Protein change: p.Lys134Ter; replaces lysine 134 with a stop codon.
Molecular consequence: nonsense.
Genome position (GRCh38, 1-based): chr5:154,477,609, T>A on the plus strand (A>T on the coding strand, the complement: HAND1 is on the minus strand). VCF-style: chr5-154477609-T-A. GRCh37 (hg19) VCF-style: chr5-153857169-T-A.
Other names: short protein forms K134*.
Identifiers: ClinVar variation 1394020 (VCV001394020.6), dbSNP rs974646425, ClinGen allele CA130059828.
Genomic context (GRCh38, chr5:154,477,609, plus strand): 5'-CATCCTTGGCCAGCACGTCCATCAGGTAGGCGATGTAGCTGGTGGCTAGGCGCAGAGTCT[T>A]GATCTTGGAGAGCTTGGTGTCGGCCGGCACGTTGGGGATGCACTCGCGCAACTCCGCGAA-3'